The following is an entry in ClinVar:

ClinVar aggregate classification (germline): Uncertain significance (1 of 4 stars; one submission).

Conditions:
FADD-related immunodeficiency. Also called: Infections, recurrent, with encephalopathy, hepatic dysfunction, and cardiovascular malformations; FADD DEFICIENCY. Identifiers: Orphanet 306550, MedGen C3151062, MONDO:0013408, OMIM 613759.

Allele frequency attached by ClinVar (database versions not stated): TOPMed below 0.00001.

Submission:

Labcorp Genetics (formerly Invitae), Labcorp
Classification: Uncertain significance for FADD-related immunodeficiency. Last evaluated: 2022-12-30. Review status: criteria provided, single submitter. Criteria: Invitae Variant Classification Sherloc (09022015). Collection method: clinical testing. Allele origin: germline.
Comment: In summary, the available evidence is currently insufficient to determine the role of this variant in disease. Therefore, it has been classified as a Variant of Uncertain Significance. Algorithms developed to predict the effect of missense changes on protein structure and function output the following: SIFT: "Tolerated"; PolyPhen-2: "Benign"; Align-GVGD: "Class C0". The leucine amino acid residue is found in multiple mammalian species, which suggests that this missense change does not adversely affect protein function. This variant has not been reported in the literature in individuals affected with FADD-related conditions. This variant is not present in population databases (gnomAD no frequency). This sequence change replaces methionine, which is neutral and non-polar, with leucine, which is neutral and non-polar, at codon 170 of the FADD protein (p.Met170Leu).

NM_003824.4(FADD):c.508A>T (p.Met170Leu)

Gene: FADD (Fas associated via death domain; plus strand). Cytogenetic location: 11q13.3.
Variant type: single nucleotide variant.
Coding change: c.508A>T on transcript NM_003824.4 (MANE Select); coding-DNA position 508, A replaced by T.
Protein change: p.Met170Leu; replaces methionine 170 with leucine.
Molecular consequence: missense variant.
Genome position (GRCh38, 1-based): chr11:70,206,354, A>T. VCF-style: chr11-70206354-A-T. GRCh37 (hg19) VCF-style: chr11-70052460-A-T.
Other names: short protein forms M170L.
Identifiers: ClinVar variation 2825008 (VCV002825008.3), dbSNP rs1340425826, ClinGen allele CA381666360.
Genomic context (GRCh38, chr11:70,206,354, plus strand): 5'-AACACAGAGAAGGAGAACGCAACAGTGGCCCACCTGGTGGGGGCTCTCAGGTCCTGCCAG[A>T]TGAACCTGGTGGCTGACCTGGTACAAGAGGTTCAGCAGGCCCGTGACCTCCAGAACAGGA-3'
Protein context (NP_003815.1, residues 160-180): HLVGALRSCQ[Met170Leu]NLVADLVQEV